The following is an entry in ClinVar:

NM_000298.6(PKLR):c.221G>C (p.Cys74Ser)

Gene: PKLR (pyruvate kinase L/R; minus strand). Cytogenetic location: 1q22.
Variant type: single nucleotide variant.
Coding change: c.221G>C on transcript NM_000298.6 (MANE Select); coding-DNA position 221, G replaced by C.
Protein change: p.Cys74Ser; replaces cysteine 74 with serine.
Molecular consequence: missense variant.
Genome position (GRCh38, 1-based): chr1:155,300,160, C>G on the plus strand (G>C on the coding strand, the complement: PKLR is on the minus strand). VCF-style: chr1-155300160-C-G. GRCh37 (hg19) VCF-style: chr1-155269951-C-G.
Other names: c.128G>C, p.Cys43Ser (NM_181871.4); short protein forms C43S, C74S.
Identifiers: ClinVar variation 3026511 (VCV003026511.22), dbSNP rs1394809863, ClinGen allele CA342758357.

ClinVar aggregate classification (germline): Uncertain significance (1 of 4 stars; one submission).

Allele frequency attached by ClinVar (database versions not stated): gnomAD 0.00001; TOPMed 0.00001.
gnomAD v4.1: 24 of 1,613,932 alleles (0.0015%); highest among the groups gnomAD compares: Non-Finnish European, 0.0018%; no homozygotes.

Submission:

CeGaT Center for Human Genetics Tuebingen
Classification: Uncertain significance. Last evaluated: 2024-01-01. Review status: criteria provided, single submitter. Criteria: CeGaT Center For Human Genetics Tuebingen Variant Classification Criteria Version 2. Collection method: clinical testing. Allele origin: germline. Affected: yes. Observed: 1 variant allele.
Comment: PKLR: PM2, PP3